The following is an entry in ClinVar:

ClinVar aggregate classification (germline): Uncertain significance (1 of 4 stars; one submission).

gnomAD v4.1: 3 of 1,613,946 alleles (0.00019%); highest among the groups gnomAD compares: Non-Finnish European, 0.00025%; no homozygotes.

Submission:

CeGaT Center for Human Genetics Tuebingen
Classification: Uncertain significance. Last evaluated: 2024-11-01. Review status: criteria provided, single submitter. Criteria: CeGaT Center For Human Genetics Tuebingen Variant Classification Criteria Version 2. Collection method: clinical testing. Allele origin: germline. Affected: yes. Observed: 1 variant allele.
Comment: ATP7B: PM2, PM3:Supporting, PP3, PP4

NM_000053.4(ATP7B):c.3413-21A>C

Gene: ATP7B (ATPase copper transporting beta; minus strand). Cytogenetic location: 13q14.3.
Variant type: single nucleotide variant.
Coding change: c.3413-21A>C on transcript NM_000053.4 (MANE Select); 21 bases into the intron before coding-DNA position 3413, A replaced by C.
Molecular consequence: intron variant.
Genome position (GRCh38, 1-based): chr13:51,941,245, T>G on the plus strand (A>C on the coding strand, the complement: ATP7B is on the minus strand). VCF-style: chr13-51941245-T-G. GRCh37 (hg19) VCF-style: chr13-52515381-T-G.
Other names: c.2927-21A>C (NM_001406541.1, NM_001406542.1); c.3161-21A>C (NM_001406531.1, NM_001406532.1, NM_001330579.2); c.3179-21A>C (NM_001406527.1, NM_001406528.1, NM_001330578.2); c.3074-21A>C (NM_001406537.1); c.3269-21A>C (NM_001406521.1, NM_001406522.1, NM_001406520.1); c.3407-21A>C (NM_001406513.1); c.3413-21A>C (NM_001406511.1, NM_001406512.1, NM_001406526.1); c.3064+1141A>C (NM_001406543.1); and 20 more.
Identifiers: ClinVar variation 3390196 (VCV003390196.14).